The following is an entry in ClinVar:

NM_015100.4(POGZ):c.388C>G (p.Gln130Glu)

Gene: POGZ (pogo transposable element derived with ZNF domain; minus strand). Cytogenetic location: 1q21.3.
Variant type: single nucleotide variant.
Coding change: c.388C>G on transcript NM_015100.4 (MANE Select); coding-DNA position 388, C replaced by G.
Protein change: p.Gln130Glu; replaces glutamine 130 with glutamic acid.
Molecular consequence: missense variant. On other transcripts: intron variant (1).
Genome position (GRCh38, 1-based): chr1:151,430,737, G>C on the plus strand (C>G on the coding strand, the complement: POGZ is on the minus strand). VCF-style: chr1-151430737-G-C. GRCh37 (hg19) VCF-style: chr1-151403213-G-C.
Other names: c.388C>G, p.Gln130Glu (NM_001194937.2); c.229C>G, p.Gln77Glu (NM_001194938.2, NM_207171.2); c.409C>G, p.Gln137Glu (NM_001410860.1); c.284-2324C>G (NM_145796.4); short protein forms Q130E, Q137E, Q77E.
Identifiers: ClinVar variation 1803433 (VCV001803433.1), dbSNP rs2529542454, ClinGen allele CA341982330.

ClinVar aggregate classification (germline): Uncertain significance (1 of 4 stars; one submission).

Allele frequency attached by ClinVar (database versions not stated): gnomAD exomes below 0.00001.
gnomAD v4.1: 4 of 1,608,976 alleles (0.00025%); highest among the groups gnomAD compares: Non-Finnish European, 0.00034%; no homozygotes.

Submission:

GeneDx
Classification: Uncertain significance. Last evaluated: 2022-06-10. Review status: criteria provided, single submitter. Criteria: GeneDx Variant Classification Process June 2021. Collection method: clinical testing. Allele origin: germline. Affected: yes.
Comment: Not observed at significant frequency in large population cohorts (gnomAD); In silico analysis supports that this missense variant has a deleterious effect on protein structure/function; Has not been previously published as pathogenic or benign to our knowledge